The following is an entry in ClinVar:

ClinVar aggregate classification (germline): Benign/Likely benign. Review status: criteria provided, multiple submitters, no conflicts (2 of 4 stars). 3 submissions from 3 submitters: Benign (2); Likely benign (1). Last evaluated 2023-01-01.

Allele frequency attached by ClinVar (database versions not stated): 1000 Genomes Project 0.00180; 1000 Genomes Project 30x 0.00187; gnomAD 0.00470 and 0.00471; TOPMed 0.00491; gnomAD exomes 0.00494; ESP Exome Variant Server 0.00641; ExAC 0.00820.
gnomAD v4.1: 9,638 of 1,513,688 alleles (0.64%); highest among the groups gnomAD compares: Middle Eastern, 0.81%; 48 homozygotes.

Submissions (3):

CeGaT Center for Human Genetics Tuebingen
Classification: Likely benign. Last evaluated: 2023-01-01. Review status: criteria provided, single submitter. Criteria: CeGaT Center For Human Genetics Tuebingen Variant Classification Criteria Version 2. Collection method: clinical testing. Allele origin: germline. Affected: yes. Observed: 2 variant alleles.
Comment: PTPRS: BP4, BS2

Labcorp Genetics (formerly Invitae), Labcorp
Classification: Benign. Last evaluated: 2018-08-20. Review status: criteria provided, single submitter. Criteria: Invitae Variant Classification Sherloc (09022015). Collection method: clinical testing. Allele origin: germline.

Breakthrough Genomics
Classification: Benign. Review status: criteria provided, single submitter. Criteria: ACMG Guidelines, 2015. Collection method: not provided. Allele origin: germline. Inheritance: Unknown mechanism. Affected: yes.

NM_002850.4(PTPRS):c.573C>G (p.Thr191=)

Gene: PTPRS (protein tyrosine phosphatase receptor type S; minus strand). Cytogenetic location: 19p13.3.
Variant type: single nucleotide variant.
Coding change: c.573C>G on transcript NM_002850.4 (MANE Select); coding-DNA position 573, C replaced by G.
Protein change: p.Thr191=; no amino-acid change (threonine 191 retained).
Molecular consequence: synonymous variant. On other transcripts: intron variant (3).
Genome position (GRCh38, 1-based): chr19:5,262,968, G>C on the plus strand (C>G on the coding strand, the complement: PTPRS is on the minus strand). VCF-style: chr19-5262968-G-C. GRCh37 (hg19) VCF-style: chr19-5262979-G-C.
Other names: c.568+2040C>G (NM_130853.3, NM_130854.3, NM_130855.3).
Identifiers: ClinVar variation 774728 (VCV000774728.28), dbSNP rs118081237, ClinGen allele CA9110677.